The following is an entry in ClinVar:

NM_001374623.1(PNPLA1):c.878_881dup (p.Pro295fs)

Gene: PNPLA1 (patatin like phospholipase domain containing 1; plus strand). Cytogenetic location: 6p21.31.
Variant type: Duplication.
Coding change: c.878_881dup on transcript NM_001374623.1 (MANE Select); coding-DNA positions 878 to 881, 4 bases duplicated (GTCA; older notation c.878_881dupGTCA).
Protein change: p.Pro295fs; shifts the reading frame from proline 295.
Molecular consequence: frameshift variant.
Genome position (GRCh38, 1-based): chr6:36,301,963-36,301,966, GTCA duplicated; duplicating any 4 consecutive bases within chr6:36,301,961-36,301,966 gives the same sequence; the c. name uses the placement nearest the transcript's 3' end. VCF-style (leftmost placement, unchanged base first): chr6-36301960-G-GCAGT. GRCh37 (hg19) VCF-style: chr6-36269737-G-GCAGT.
Other names: c.878_881dupGTCA (NM_001145717.1); c.620_623dup, p.Pro209fs (NM_001145716.2); c.878_881dup, p.Pro295fs (NM_001145717.1); c.593_596dup, p.Pro200fs (NM_173676.2); short protein forms P200fs, P295fs, P209fs.
Identifiers: ClinVar variation 545920 (VCV000545920.2), dbSNP rs1554139129, ClinGen allele CA658822031.
Genomic context (GRCh38, chr6:36,301,960, plus strand): 5'-TCCCCCGGGTGGAAGTGTACTGCCAGATAGAACTCGCCCTTGGCAATGAGTGCCCTGAAC[G>GCAGT]CAGTCAACCAAGCCTTCGAGCACGGCAGGCCAGTCTGGAAGGAGCCACACAACCTCACAA-3'

ClinVar aggregate classification (germline): Pathogenic (1 of 4 stars; one submission).

Submission:

GeneDx
Classification: Pathogenic. Last evaluated: 2018-05-08. Review status: criteria provided, single submitter. Criteria: GeneDx Variant Classification (06012015). Collection method: clinical testing. Allele origin: germline. Affected: yes.
Comment: The c.878_881dupGTCA pathogenic variant in the PNPLA1 gene has not been reported previously as a pathogenic variant, nor as a benign variant, to our knowledge. The c.878_881dupGTCA variant causes a frameshift starting with codon Proline 295, changes this amino acid to a Serine residue, and creates a premature Stop codon at position 43 of the new reading frame, denoted p.Pro295SerfsX43. This variant is predicted to cause loss of normal protein function either through protein truncation or nonsense-mediated mRNA decay. The c.878_881dupGTCA variant is not observed in large population cohorts (Lek et al., 2016). We interpret c.878_881dupGTCA as a pathogenic variant.